The following is an entry in ClinVar:

NM_000245.4(MET):c.914A>G (p.Lys305Arg)

Gene: MET (MET proto-oncogene, receptor tyrosine kinase; plus strand). Cytogenetic location: 7q31.2.
Variant type: single nucleotide variant.
Coding change: c.914A>G on transcript NM_000245.4 (MANE Select); coding-DNA position 914, A replaced by G.
Protein change: p.Lys305Arg; replaces lysine 305 with arginine.
Molecular consequence: missense variant. On other transcripts: intron variant (1).
Genome position (GRCh38, 1-based): chr7:116,699,998, A>G. VCF-style: chr7-116699998-A-G. GRCh37 (hg19) VCF-style: chr7-116340052-A-G.
Other names: c.914A>G (NM_001127500.1); c.914A>G, p.Lys305Arg (NM_001127500.3, NM_001324401.3); c.-91+27421A>G (NM_001324402.2); short protein forms K305R.
Identifiers: ClinVar variation 1036459 (VCV001036459.8), dbSNP rs763935791, ClinGen allele CA4448044.
Genomic context (GRCh38, chr7:116,699,998, plus strand): 5'-ACTCTGGATTGCATTCCTACATGGAAATGCCTCTGGAGTGTATTCTCACAGAAAAGAGAA[A>G]AAAGAGATCCACAAAGAAGGAAGTGTTTAATATACTTCAGGCTGCGTATGTCAGCAAGCC-3'
Protein context (NP_000236.2, residues 295-315): PLECILTEKR[Lys305Arg]KRSTKKEVFN

ClinVar aggregate classification (germline): Conflicting classifications of pathogenicity. Review status: criteria provided, conflicting classifications (1 of 4 stars). 2 submissions from 2 submitters: Uncertain significance (1); Likely benign (1). Last evaluated 2025-08-07.

Conditions:
Renal cell carcinoma. Identifiers: Orphanet 217071, MedGen C0007134, MeSH D002292, MONDO:0005086, HP:0005584.
Hereditary cancer-predisposing syndrome. Also called: Neoplastic Syndromes, Hereditary; Hereditary Cancer Syndrome; Tumor predisposition; Hereditary neoplastic syndrome. Identifiers: Orphanet 140162, MedGen C0027672, MeSH D009386, MONDO:0015356.

Allele frequency attached by ClinVar (database versions not stated): gnomAD exomes below 0.00001; ExAC 0.00001.
gnomAD v4.1: 2 of 1,614,066 alleles (0.00012%); highest among the groups gnomAD compares: Non-Finnish European, 0.00017%; no homozygotes.

Submissions (2):

Labcorp Genetics (formerly Invitae), Labcorp
Classification: Uncertain significance for Renal cell carcinoma. Last evaluated: 2025-08-07. Review status: criteria provided, single submitter. Criteria: Invitae Variant Classification Sherloc (09022015). Collection method: clinical testing. Allele origin: germline.
Comment: This sequence change replaces lysine, which is basic and polar, with arginine, which is basic and polar, at codon 305 of the MET protein (p.Lys305Arg). This variant is present in population databases (rs763935791, gnomAD 0.0009%). This variant has not been reported in the literature in individuals affected with MET-related conditions. ClinVar contains an entry for this variant (Variation ID: 1036459). Invitae Evidence Modeling of protein sequence and biophysical properties (such as structural, functional, and spatial information, amino acid conservation, physicochemical variation, residue mobility, and thermodynamic stability) indicates that this missense variant is not expected to disrupt MET protein function with a negative predictive value of 80%. In summary, the available evidence is currently insufficient to determine the role of this variant in disease. Therefore, it has been classified as a Variant of Uncertain Significance.

Ambry Genetics
Classification: Likely benign for Hereditary cancer-predisposing syndrome. Last evaluated: 2023-03-11. Review status: criteria provided, single submitter. Criteria: Ambry Variant Classification Scheme 2023. Collection method: clinical testing. Allele origin: germline.